The following is an entry in ClinVar:

NM_000222.3(KIT):c.2803-18T>C

Gene: KIT (KIT proto-oncogene, receptor tyrosine kinase; plus strand). Cytogenetic location: 4q12.
Variant type: single nucleotide variant.
Coding change: c.2803-18T>C on transcript NM_000222.3 (MANE Select); 18 bases into the intron before coding-DNA position 2803, T replaced by C.
Molecular consequence: intron variant.
Genome position (GRCh38, 1-based): chr4:54,738,411, T>C. VCF-style: chr4-54738411-T-C. GRCh37 (hg19) VCF-style: chr4-55604577-T-C.
Other names: c.2806-18T>C (NM_001385284.1); c.2803-18T>C (NM_001385290.1); c.2794-18T>C (NM_001385288.1); c.2791-18T>C (NM_001385292.1, NM_001093772.2); c.2800-18T>C (NM_001385285.1); c.2788-18T>C (NM_001385286.1).
Identifiers: ClinVar variation 4875959 (VCV004875959.1).
Genomic context (GRCh38, chr4:54,738,411, plus strand): 5'-TTGACACTGTAAGTATGCCTTTTGTTGCTATGTTCGTTGTAGGGACTGCTGTATTGACTA[T>C]GGGCTTGTTTTCTCCAGATTTACTCCAACTTAGCAAACTGCAGCCCCAACCGACAGAAGC-3'

ClinVar aggregate classification (germline): Likely benign (1 of 4 stars; one submission).

Conditions:
Gastrointestinal stromal tumor. Also called: Gastrointestinal stromal tumor, somatic; Gastrointestinal stroma tumor. Identifiers: Orphanet 44890, MedGen C0238198, MeSH D046152, MONDO:0011719, OMIM 606764, HP:0100723.

gnomAD v4.1: 2 of 1,614,066 alleles (0.00012%); highest among the groups gnomAD compares: Non-Finnish European, 0.00017%; no homozygotes.

Submission:

Myriad Genetics, Inc.
Classification: Likely benign for Gastrointestinal stromal tumor. Last evaluated: 2026-06-02. Review status: criteria provided, single submitter. Criteria: Myriad Autosomal Dominant, Autosomal Recessive and X-Linked Classification Criteria (2023). Collection method: clinical testing. Allele origin: unknown.
Comment: This variant is considered likely benign. This variant is intronic and is not expected to impact mRNA splicing. This variant has been observed at a population frequency that is significantly greater than expected given the associated disease prevalence and penetrance.